The following is an entry in ClinVar:

NM_015311.3(OBSL1):c.1624G>A (p.Glu542Lys)

Gene: OBSL1 (obscurin like cytoskeletal adaptor 1; minus strand). Cytogenetic location: 2q35.
Variant type: single nucleotide variant.
Coding change: c.1624G>A on transcript NM_015311.3 (MANE Select); coding-DNA position 1624, G replaced by A.
Protein change: p.Glu542Lys; replaces glutamic acid 542 with lysine.
Molecular consequence: missense variant.
Genome position (GRCh38, 1-based): chr2:219,567,486, C>T on the plus strand (G>A on the coding strand, the complement: OBSL1 is on the minus strand). VCF-style: chr2-219567486-C-T. GRCh37 (hg19) VCF-style: chr2-220432208-C-T.
Other names: c.1624G>A, p.Glu542Lys (NM_001173408.2, NM_001173431.2); short protein forms E542K.
Identifiers: ClinVar variation 1939798 (VCV001939798.5), dbSNP rs764966885, ClinGen allele CA2131478.

ClinVar aggregate classification (germline): Uncertain significance. Review status: criteria provided, multiple submitters, no conflicts (2 of 4 stars). 2 submissions from 2 submitters: Uncertain significance (2). Last evaluated 2022-07-26.

Conditions:
Inborn genetic diseases. Identifiers: MedGen C0950123, MeSH D030342.

Allele frequency attached by ClinVar (database versions not stated): gnomAD 0.00001; TOPMed 0.00001; ExAC 0.00004.
gnomAD v4.1: 18 of 1,613,392 alleles (0.0011%); highest among the groups gnomAD compares: Middle Eastern, 0.016%; no homozygotes.

Submissions (2):

Labcorp Genetics (formerly Invitae), Labcorp
Classification: Uncertain significance. Last evaluated: 2022-07-26. Review status: criteria provided, single submitter. Criteria: Invitae Variant Classification Sherloc (09022015). Collection method: clinical testing. Allele origin: germline.
Comment: This sequence change replaces glutamic acid, which is acidic and polar, with lysine, which is basic and polar, at codon 542 of the OBSL1 protein (p.Glu542Lys). In summary, the available evidence is currently insufficient to determine the role of this variant in disease. Therefore, it has been classified as a Variant of Uncertain Significance. Algorithms developed to predict the effect of missense changes on protein structure and function (SIFT, PolyPhen-2, Align-GVGD) all suggest that this variant is likely to be tolerated. This variant has not been reported in the literature in individuals affected with OBSL1-related conditions. This variant is present in population databases (rs764966885, gnomAD 0.01%).

Ambry Genetics
Classification: Uncertain significance for Inborn genetic diseases. Last evaluated: 2021-07-06. Review status: criteria provided, single submitter. Criteria: Ambry Variant Classification Scheme 2023. Collection method: clinical testing. Allele origin: germline.